The following is an entry in ClinVar:

NM_004086.3(COCH):c.269T>A (p.Val90Glu)

Genes: COCH (cochlin; plus strand), COCH-AS1 (COCH antisense RNA 1; minus strand). Cytogenetic location: 14q12.
Variant type: single nucleotide variant.
Coding change: c.269T>A on transcript NM_004086.3 (MANE Select); coding-DNA position 269, T replaced by A.
Protein change: p.Val90Glu; replaces valine 90 with glutamic acid.
Molecular consequence: missense variant.
Genome position (GRCh38, 1-based): chr14:30,878,840, T>A. VCF-style: chr14-30878840-T-A. GRCh37 (hg19) VCF-style: chr14-31348046-T-A.
Other names: c.269T>A, p.Val90Glu (NM_001135058.2); c.464T>A, p.Val155Glu (NM_001347720.2); short protein forms V155E, V90E.
Identifiers: ClinVar variation 3342935 (VCV003342935.2).

ClinVar aggregate classification (germline): Uncertain significance (1 of 4 stars; one submission).

gnomAD v4.1: 3 of 1,614,158 alleles (0.00019%); highest among the groups gnomAD compares: Non-Finnish European, 0.00025%; no homozygotes.

Submission:

GeneDx
Classification: Uncertain significance. Last evaluated: 2025-07-09. Review status: criteria provided, single submitter. Criteria: GeneDx Variant Classification Process June 2021. Collection method: clinical testing. Allele origin: germline.
Comment: Not observed at significant frequency in large population cohorts (gnomAD); In silico analysis supports that this missense variant has a deleterious effect on protein structure/function; Has not been previously published as pathogenic or benign to our knowledge